The following is an entry in ClinVar:

NM_023110.3(FGFR1):c.1420C>G (p.Pro474Ala)

Gene: FGFR1 (fibroblast growth factor receptor 1; minus strand). Cytogenetic location: 8p11.23.
Variant type: single nucleotide variant.
Coding change: c.1420C>G on transcript NM_023110.3 (MANE Select); coding-DNA position 1420, C replaced by G.
Protein change: p.Pro474Ala; replaces proline 474 with alanine.
Molecular consequence: missense variant.
Genome position (GRCh38, 1-based): chr8:38,418,238, G>C on the plus strand (C>G on the coding strand, the complement: FGFR1 is on the minus strand). VCF-style: chr8-38418238-G-C. GRCh37 (hg19) VCF-style: chr8-38275756-G-C.
Other names: c.1414C>G, p.Pro472Ala (NM_001174063.2, NM_001174065.2, NM_001354367.2 and 1 more transcripts); c.1390C>G, p.Pro464Ala (NM_001174064.2); c.1153C>G, p.Pro385Ala (NM_001174066.2, NM_023105.3); c.1513C>G, p.Pro505Ala (NM_001174067.2); c.1141C>G, p.Pro381Ala (NM_001354368.2); c.1408C>G, p.Pro470Ala (NM_001354369.2, NM_001410922.1); c.1147C>G, p.Pro383Ala (NM_001354370.2, NM_023106.3); short protein forms P381A, P383A, P385A, P464A, P470A, P472A, P474A, P505A.
Identifiers: ClinVar variation 3748508 (VCV003748508.3).
Genomic context (GRCh38, chr8:38,418,238, plus strand): 5'-ATAGCAAGCAAGGAATGCCTTCAAAAAGTTGGGAGTCAAAGTATTATTACCTGTCCCGAG[G>C]CAGCTCCCAGCGAGGGTCTTCGGGAAGCTCATACTCAGAGACCCCTGCTAGCATGGGAGT-3'
Protein context (NP_075598.2, residues 464-484): ELPEDPRWEL[Pro474Ala]RDRLVLGKPL

ClinVar aggregate classification (germline): Uncertain significance. Review status: criteria provided, multiple submitters, no conflicts (2 of 4 stars). 2 submissions from 2 submitters: Uncertain significance (2). Last evaluated 2025-02-10.

Conditions:
Pfeiffer syndrome (ACS5). Also called: ACS V. Identifiers: Orphanet 710, MedGen C0220658, MONDO:0007043, OMIM 101600.
Hypogonadotropic hypogonadism 2 with or without anosmia (HH2). Also called: HYPOGONADOTROPIC HYPOGONADISM 2 WITHOUT ANOSMIA; HYPOGONADOTROPIC HYPOGONADISM 2 WITH OR WITHOUT ANOSMIA, SUSCEPTIBILITY TO; HYPOGONADOTROPIC HYPOGONADISM 2 WITHOUT ANOSMIA, SUSCEPTIBILITY TO; FGFR1-Related GnRH Deficiency (Kallmann Syndrome 2). Identifiers: Orphanet 478, MedGen C1563720, MONDO:0007844, OMIM 147950. Disease mechanism: loss of function.

Submissions (2):

GeneDx
Classification: Uncertain significance. Last evaluated: 2025-02-10. Review status: criteria provided, single submitter. Criteria: GeneDx Variant Classification Process June 2021. Collection method: clinical testing. Allele origin: germline. Affected: yes.
Comment: Not observed at significant frequency in large population cohorts (gnomAD); In silico analysis supports that this missense variant has a deleterious effect on protein structure/function; Has not been previously published as pathogenic or benign to our knowledge

Labcorp Genetics (formerly Invitae), Labcorp
Classification: Uncertain significance for Pfeiffer syndrome; Hypogonadotropic hypogonadism 2 with or without anosmia. Last evaluated: 2024-06-12. Review status: criteria provided, single submitter. Criteria: Invitae Variant Classification Sherloc (09022015). Collection method: clinical testing. Allele origin: germline.
Comment: This sequence change replaces proline, which is neutral and non-polar, with alanine, which is neutral and non-polar, at codon 474 of the FGFR1 protein (p.Pro474Ala). This variant is present in population databases (rs575227358, gnomAD 0.002%). This variant has not been reported in the literature in individuals affected with FGFR1-related conditions. Advanced modeling of protein sequence and biophysical properties (such as structural, functional, and spatial information, amino acid conservation, physicochemical variation, residue mobility, and thermodynamic stability) has been performed at Invitae for this missense variant, however the output from this modeling did not meet the statistical confidence thresholds required to predict the impact of this variant on FGFR1 protein function. In summary, the available evidence is currently insufficient to determine the role of this variant in disease. Therefore, it has been classified as a Variant of Uncertain Significance.